The following is an entry in ClinVar:

NM_001127649.3(PEX26):c.292C>T (p.Arg98Trp)

Gene: PEX26 (peroxisomal biogenesis factor 26; plus strand). Cytogenetic location: 22q11.21.
Variant type: single nucleotide variant.
Coding change: c.292C>T on transcript NM_001127649.3 (MANE Select); coding-DNA position 292, C replaced by T.
Protein change: p.Arg98Trp; replaces arginine 98 with tryptophan.
Molecular consequence: missense variant.
Genome position (GRCh38, 1-based): chr22:18,079,935, C>T. VCF-style: chr22-18079935-C-T. GRCh37 (hg19) VCF-style: chr22-18562701-C-T.
Other names: c.292C>T, p.Arg98Trp (NM_001199319.2, NM_017929.6); short protein forms R98W.
Identifiers: ClinVar variation 2152 (VCV000002152.32), dbSNP rs62641228, ClinGen allele CA115367.

ClinVar aggregate classification (germline): Pathogenic/Likely pathogenic. Review status: criteria provided, multiple submitters, no conflicts (2 of 4 stars). 16 submissions from 16 submitters: Pathogenic (11); Likely pathogenic (1). 4 of the submissions do not count toward it. Last evaluated 2026-04-07.

Conditions:
PEX26-related disorder. Also called: PEX26-related condition.
Peroxisome biogenesis disorder 7A (Zellweger). Also called: Peroxisome biogenesis disorder 7A. Identifiers: Orphanet 912, MedGen C3888385, MONDO:0013938, OMIM 614872.
Peroxisome biogenesis disorder 7B (PBD7B). Identifiers: Orphanet 44, MedGen C3553951, MONDO:0013939, OMIM 614873.
Peroxisome biogenesis disorder. Identifiers: Orphanet 79189, MedGen C1832200, MONDO:0019234. Disease mechanism: loss of function.

Allele frequency attached by ClinVar (database versions not stated): ExAC 0.00006; TOPMed 0.00006; gnomAD 0.00007 and 0.00008; gnomAD exomes 0.00007 and 0.00009.
gnomAD v4.1: 140 of 1,613,974 alleles (0.0087%); highest among the groups gnomAD compares: Non-Finnish European, 0.011%; no homozygotes.

Submissions (16):

PreventionGenetics, part of Exact Sciences
Classification: Pathogenic for PEX26-related condition. Last evaluated: 2026-04-07. Review status: criteria provided, single submitter. Criteria: ACMG Guidelines, 2015. Collection method: clinical testing. Allele origin: germline.
Comment: The PEX26 c.292C>T variant is predicted to result in the amino acid substitution p.Arg98Trp. This variant has been reported as pathogenic for autosomal recessive peroxisome biogenesis disorder, and in the homozygous state the milder infantile Refsum disease (Matsumoto et al. 2003. PubMed ID: 12851857; Furuki et al. 2005. PubMed ID: 16257970; Berendse et al. 2015. PubMed ID: 26287655; Neuhaus et al. 2017. PubMed ID: 28944237). Experimental studies have demonstrated that this variant impair protein function (Matsumoto et al. 2003. PubMed ID: 12851857; Buentzel et al. 2015. PubMed ID: 26627908). This variant is reported in 0.013% of alleles in individuals of European (Non-Finnish) descent in gnomAD. This variant is interpreted as pathogenic.

Labcorp Genetics (formerly Invitae), Labcorp
Classification: Pathogenic for Peroxisome biogenesis disorder 7A (Zellweger); Peroxisome biogenesis disorder 7B. Last evaluated: 2026-01-23. Review status: criteria provided, single submitter. Criteria: Invitae Variant Classification Sherloc (09022015). Collection method: clinical testing. Allele origin: germline.
Comment: This sequence change replaces arginine, which is basic and polar, with tryptophan, which is neutral and slightly polar, at codon 98 of the PEX26 protein (p.Arg98Trp). This variant is present in population databases (rs62641228, gnomAD 0.01%). This missense change has been observed in individual(s) with Zellweger spectrum disorder (PMID: 12717447, 12851857, 16257970, 26287655, 28944237). In at least one individual the data is consistent with being in trans (on the opposite chromosome) from a pathogenic variant. ClinVar contains an entry for this variant (Variation ID: 2152). Invitae Evidence Modeling of protein sequence and biophysical properties (such as structural, functional, and spatial information, amino acid conservation, physicochemical variation, residue mobility, and thermodynamic stability) indicates that this missense variant is expected to disrupt PEX26 protein function with a positive predictive value of 95%. Experimental studies have shown that this missense change affects PEX26 function (PMID: 12717447, 12851857, 26627908). For these reasons, this variant has been classified as Pathogenic.

Dasa
Classification: Likely pathogenic. Last evaluated: 2025-08-28. Review status: criteria provided, single submitter. Criteria: DASA Assertion Criteria. Collection method: clinical testing. Allele origin: germline.
Comment: NM_001127649.3(PEX26):c.292C>T (p.Arg98Trp) is a missense variant that results in the substitution of arginine with tryptophan. This variant has been observed in affected individuals with PEX26-related disorders. Functional evidence supports an impact on the gene or gene product (PMID: 16257970). Also, this variant is absent from population databases. Computational evidence supports a deleterious effect. Based on the currently available evidence, this variant is classified as likely pathogenic.

GeneDx
Classification: Pathogenic. Last evaluated: 2025-07-19. Review status: criteria provided, single submitter. Criteria: GeneDx Variant Classification Process June 2021. Collection method: clinical testing. Allele origin: germline. Affected: yes.
Comment: Published functional studies suggest this variant causes impaired peroxisomal protein import (PMID: 12717447, 16257970); Not observed at significant frequency in large population cohorts (gnomAD); In silico analysis supports that this missense variant has a deleterious effect on protein structure/function; This variant is associated with the following publications: (PMID: 25525159, 31150129, 27488561, 19105186, 16257970, 26627908, 26287655, 28944237, 28857144, 15542397, 12851857, 31589614, 37974207, 12717447, 15858711)

Genetic Services Laboratory, University of Chicago
Classification: Pathogenic. Last evaluated: 2025-06-03. Review status: criteria provided, single submitter. Criteria: ACMG Guidelines, 2015. Collection method: clinical testing. Allele origin: germline.
Comment: The c.292C>T variant: Results in an amino acid change, p.Arg98Trp. Affects a highly conserved amino acid residue located in a domain of the PEX26 protein that is known to be functional. Appears to have contradictory results by in-silico pathogenicity prediction tools. Has been previously described in the bi-allelic state in several individuals with PEX26-related disorders (PMID: 16257970, 12851857, 26287655, 31150129. Is reported in the gnomAD v4 database with a frequency of 0.009% in the global population (dbSNP rs62641228). Occurs in a region of the PEX26 gene where other missense sequence changes have been described in individuals with PEX26-related disorders. ClinVar contains an entry for this variant (Variation ID: 2152). Collectively, this evidence indicates that this variant is pathogenic.

Variantyx, Inc.
Classification: Pathogenic for Peroxisome biogenesis disorder 7A (Zellweger). Last evaluated: 2025-03-03. Review status: criteria provided, single submitter. Criteria: Variantyx Assertion Criteria 2022. Collection method: clinical testing. Allele origin: germline. Inheritance: Autosomal recessive inheritance. Affected: yes.
Comment: This is a nonsynonymous variant in the PEX26 gene (OMIM: 608666). Pathogenic variants in this gene have been associated with autosomal recessive peroxisome biogenesis disorder. Functional studies have shown that this variant alters PEX26 protein function (PMID: 12717447, 26627908, 12851857) (PS3_Moderate), and mulltiple computational algorithms predict a deleterious effect for this variant (REVEL score: 0.896) (PP3). This variant has a 0.0109% maximum allele frequency in non-founder control populations (PM2). Based on the current evidence, this variant is classified as pathogenic for autosomal recessive peroxisome biogenesis disorder.

Fulgent Genetics
Classification: Pathogenic for Peroxisome biogenesis disorder 7A (Zellweger); Peroxisome biogenesis disorder 7B. Last evaluated: 2024-05-28. Review status: criteria provided, single submitter. Criteria: ACMG Guidelines, 2015. Collection method: clinical testing. Allele origin: germline.

Baylor Genetics
Classification: Pathogenic for Peroxisome biogenesis disorder 7A (Zellweger). Last evaluated: 2024-03-17. Review status: criteria provided, single submitter. Criteria: ACMG Guidelines, 2015. Collection method: clinical testing. Allele origin: unknown.

Blueprint Genetics
Classification: Pathogenic for PEX26-related disorders. Last evaluated: 2024-01-04. Review status: criteria provided, single submitter. Criteria: ACMG Guidelines, 2015. Collection method: clinical testing. Allele origin: germline. Affected: yes. Observed: 5 variant alleles.

3billion
Classification: Pathogenic for Peroxisome biogenesis disorder 7B. Last evaluated: 2022-09-01. Review status: criteria provided, single submitter. Criteria: ACMG Guidelines, 2015. Collection method: clinical testing. Allele origin: germline. Affected: yes. Observed: 1 homozygote.
Comment: The variant is observed at an extremely low frequency in the gnomAD v2.1.1 dataset (total allele frequency: 0.007%). Functional studies provide strong evidence of the variant having a damaging effect on the gene or gene product (PMID: 12717447 , 12851857 , 26627908). In silico tool predictions suggest damaging effect of the variant on gene or gene product (REVEL: 0.90; 3Cnet: 0.96). Same nucleotide change resulting in same amino acid change has been previously reported as pathogenic/likely pathogenic with strong evidence (ClinVar ID: VCV000002152). Therefore, this variant is classified as Pathogenic according to the recommendation of ACMG/AMP guideline.

Women's Health and Genetics/Laboratory Corporation of America, LabCorp
Classification: Pathogenic for Peroxisome biogenesis disorders, Zellweger syndrome spectrum. Last evaluated: 2018-09-14. Review status: criteria provided, single submitter. Criteria: LabCorp Variant Classification Summary - May 2015. Collection method: clinical testing. Allele origin: germline.
Comment: Variant summary: PEX26 c.292C>T (p.Arg98Trp) results in a non-conservative amino acid change in the encoded protein sequence. Five of five in-silico tools predict a damaging effect of the variant on protein function. The variant allele was found at a frequency of 6.5e-05 in 277208 control chromosomes (gnomAD). This frequency is not higher than expected for a pathogenic variant in PEX26 causing Zellweger Syndrome (6.5e-05 vs 0.0016), allowing no conclusion about variant significance. c.292C>T has been reported in the literature in multiple individuals affected with Zellweger Syndrome (Ebberink_2010). These data indicate that the variant is very likely to be associated with disease. At least one publication reports experimental evidence evaluating an impact on protein function. The most pronounced variant effect results in between 50%-90% of normal activity (Furuki_2006). A ClinVar submission from a clinical diagnostic laboratory (evaluation after 2014) cites the variant as pathogenic. Based on the evidence outlined above, the variant was classified as pathogenic.

Eurofins Ntd Llc (ga)
Classification: Pathogenic. Last evaluated: 2017-12-06. Review status: criteria provided, single submitter. Criteria: EGL Classification Definitions 2015. Collection method: clinical testing. Allele origin: germline. Observed: 4 variant alleles, 4 homozygotes.

OMIM
Classification: Pathogenic for PEROXISOME BIOGENESIS DISORDER 7B. Last evaluated: 2005-06-01. Review status: no assertion criteria provided. Collection method: literature only. Allele origin: germline. Not counted in ClinVar's aggregate classification.

Clinical Genetics DNA and cytogenetics Diagnostics Lab, Erasmus MC, Erasmus Medical Center
Classification: Pathogenic. Review status: no assertion criteria provided. Collection method: clinical testing. Allele origin: germline. Affected: yes. Study: VKGL Data-share Consensus. Not counted in ClinVar's aggregate classification.

Genome Diagnostics Laboratory, University Medical Center Utrecht
Classification: Pathogenic. Review status: no assertion criteria provided. Collection method: clinical testing. Allele origin: germline. Affected: yes. Study: VKGL Data-share Consensus. Not counted in ClinVar's aggregate classification.

Joint Genome Diagnostic Labs from Nijmegen and Maastricht, Radboudumc and MUMC+
Classification: Likely pathogenic. Review status: no assertion criteria provided. Collection method: clinical testing. Allele origin: germline. Affected: yes. Study: VKGL Data-share Consensus. Not counted in ClinVar's aggregate classification.

Literature cited by the submitters: PubMed 12717447 (cited by 4 submitters); PubMed 12851857 (cited by 5 submitters); PubMed 16257970 (cited by 5 submitters); PubMed 26287655 (cited by 3 submitters); PubMed 28944237 (cited by Labcorp Genetics (formerly Invitae), Labcorp and Variantyx, Inc.); PubMed 26627908 (cited by 3 submitters); PubMed 34430430 (cited by Variantyx, Inc.); PubMed 15858711 (cited by Variantyx, Inc. and OMIM); PubMed 19877282 (cited by Women's Health and Genetics/Laboratory Corporation of America, LabCorp); PubMed 15542397 (cited by OMIM); PubMed 9090381 (cited by OMIM).